The following is an entry in ClinVar:

ClinVar aggregate classification (germline): Conflicting classifications of pathogenicity. Review status: criteria provided, conflicting classifications (1 of 4 stars). 5 submissions from 5 submitters: Uncertain significance (3); Likely benign (2). Last evaluated 2026-08-08.

Conditions:
Cardiovascular phenotype. Identifiers: MedGen CN230736.
Cardiomyopathy (CMYO). Also called: Cardiomyopathies. Identifiers: Orphanet 167848, MedGen C0878544, MONDO:0004994, HP:0001638. Inheritance: Various modes of inheritance.
Catecholaminergic polymorphic ventricular tachycardia 1. Also called: VENTRICULAR TACHYCARDIA, STRESS-INDUCED POLYMORPHIC 1; VENTRICULAR TACHYCARDIA, CATECHOLAMINERGIC POLYMORPHIC, 1, WITH OR WITHOUT ATRIAL DYSFUNCTION AND/OR DILATED CARDIOMYOPATHY; RYR2-Related Catecholaminergic Polymorphic Ventricular Tachycardia. Identifiers: Orphanet 3286, MedGen C1631597, MONDO:0011484, OMIM 604772.

Allele frequency attached by ClinVar (database versions not stated): TOPMed 0.00003; gnomAD exomes below 0.00001.
gnomAD v4.1: 1 of 1,607,504 alleles (0.000062%); highest among the groups gnomAD compares: Admixed American, 0.0017%; no homozygotes.

Submissions (5):

Ambry Genetics
Classification: Likely benign for Cardiovascular phenotype. Last evaluated: 2026-08-08. Review status: criteria provided, single submitter. Criteria: Ambry Variant Classification Scheme 2023. Collection method: clinical testing. Allele origin: germline.

Labcorp Genetics (formerly Invitae), Labcorp
Classification: Uncertain significance for Catecholaminergic polymorphic ventricular tachycardia 1. Last evaluated: 2025-11-25. Review status: criteria provided, single submitter. Criteria: Invitae Variant Classification Sherloc (09022015). Collection method: clinical testing. Allele origin: germline.
Comment: This sequence change replaces aspartic acid, which is acidic and polar, with glutamic acid, which is acidic and polar, at codon 959 of the RYR2 protein (p.Asp959Glu). This variant is not present in population databases (gnomAD no frequency). This variant has not been reported in the literature in individuals affected with RYR2-related conditions. ClinVar contains an entry for this variant (Variation ID: 987853). Invitae Evidence Modeling of protein sequence and biophysical properties (such as structural, functional, and spatial information, amino acid conservation, physicochemical variation, residue mobility, and thermodynamic stability) indicates that this missense variant is not expected to disrupt RYR2 protein function with a negative predictive value of 95%. In summary, the available evidence is currently insufficient to determine the role of this variant in disease. Therefore, it has been classified as a Variant of Uncertain Significance.

Color Diagnostics, LLC DBA Color Health
Classification: Likely benign for Cardiomyopathy. Last evaluated: 2024-09-04. Review status: criteria provided, single submitter. Criteria: ACMG Guidelines, 2015. Collection method: clinical testing. Allele origin: germline.

GeneDx
Classification: Uncertain significance. Last evaluated: 2024-03-19. Review status: criteria provided, single submitter. Criteria: GeneDx Variant Classification Process June 2021. Collection method: clinical testing. Allele origin: germline. Affected: yes.
Comment: Not observed at significant frequency in large population cohorts (gnomAD); In silico analysis supports that this missense variant does not alter protein structure/function; Has not been previously published as pathogenic or benign to our knowledge; Not located in one of the three hot-spot regions of the RYR2 gene, where the majority of pathogenic missense variants occur (PMID: 19926015); This variant is associated with the following publications: (PMID: 19926015)

Women's Health and Genetics/Laboratory Corporation of America, LabCorp
Classification: Uncertain significance. Last evaluated: 2020-11-16. Review status: criteria provided, single submitter. Criteria: LabCorp Variant Classification Summary - May 2015. Collection method: clinical testing. Allele origin: germline.
Comment: Variant summary: RYR2 c.2877C>A (p.Asp959Glu) results in a conservative amino acid change in the encoded protein sequence. Five of five in-silico tools predict a benign effect of the variant on protein function. The variant was absent in 238902 control chromosomes. The available data on variant occurrences in the general population are insufficient to allow any conclusion about variant significance. To our knowledge, no occurrence of c.2877C>A in individuals affected with Catecholaminergic Polymorphic Ventricular Tachycardia and no experimental evidence demonstrating its impact on protein function have been reported. No clinical diagnostic laboratories have submitted clinical-significance assessments for this variant to ClinVar after 2014. Based on the evidence outlined above, the variant was classified as uncertain significance.

NM_001035.3(RYR2):c.2877C>A (p.Asp959Glu)

Gene: RYR2 (ryanodine receptor 2; plus strand). Cytogenetic location: 1q43.
Variant type: single nucleotide variant.
Coding change: c.2877C>A on transcript NM_001035.3 (MANE Select); coding-DNA position 2877, C replaced by A.
Protein change: p.Asp959Glu; replaces aspartic acid 959 with glutamic acid.
Molecular consequence: missense variant.
Genome position (GRCh38, 1-based): chr1:237,530,481, C>A. VCF-style: chr1-237530481-C-A. GRCh37 (hg19) VCF-style: chr1-237693781-C-A.
Other names: short protein forms D959E.
Identifiers: ClinVar variation 987853 (VCV000987853.15), dbSNP rs1042196921, ClinGen allele CA39798671.